The following is an entry in ClinVar:

ClinVar aggregate classification (germline): Uncertain significance. Review status: criteria provided, multiple submitters, no conflicts (2 of 4 stars). 5 submissions from 5 submitters: Uncertain significance (5). Last evaluated 2025-09-07.

Conditions:
Hereditary cancer-predisposing syndrome. Also called: Hereditary neoplastic syndrome; Neoplastic Syndromes, Hereditary; Tumor predisposition; Hereditary Cancer Syndrome. Identifiers: Orphanet 140162, MedGen C0027672, MeSH D009386, MONDO:0015356.
Birt-Hogg-Dube syndrome. Also called: Birt Hogg Dubé syndrome. Identifiers: Orphanet 122, MedGen C0346010, MONDO:0800444.
Familial spontaneous pneumothorax (PSP). Identifiers: Orphanet 2903, MedGen C1868193, MONDO:0008259, OMIM 173600.
Nonpapillary renal cell carcinoma. Identifiers: Orphanet 422526, MedGen CN074294, MONDO:0007763, OMIM 144700.
Colorectal cancer. Also called: Malignant Colorectal Neoplasm; Colorectal cancer, somatic. Identifiers: MedGen C0346629, MONDO:0005575, OMIM 114500.
17p11.2 microduplication syndrome (PTLS). Also called: CHROMOSOME 17p11.2 DUPLICATION SYNDROME; Potocki-Lupski syndrome; Duplication 17p11.2 syndrome; Potocki-Lupski syndrome (dup(17)(p11.2p11.2)). Identifiers: Orphanet 1713, MedGen C2931246, MONDO:0012574, OMIM 610883.

Allele frequency attached by ClinVar (database versions not stated): gnomAD exomes below 0.00001.

Submissions (5):

Labcorp Genetics (formerly Invitae), Labcorp
Classification: Uncertain significance for Birt-Hogg-Dube syndrome. Last evaluated: 2025-09-07. Review status: criteria provided, single submitter. Criteria: Invitae Variant Classification Sherloc (09022015). Collection method: clinical testing. Allele origin: germline.
Comment: This sequence change replaces lysine, which is basic and polar, with arginine, which is basic and polar, at codon 516 of the FLCN protein (p.Lys516Arg). This variant is not present in population databases (gnomAD no frequency). This variant has not been reported in the literature in individuals affected with FLCN-related conditions. ClinVar contains an entry for this variant (Variation ID: 1044847). Invitae Evidence Modeling of protein sequence and biophysical properties (such as structural, functional, and spatial information, amino acid conservation, physicochemical variation, residue mobility, and thermodynamic stability) indicates that this missense variant is not expected to disrupt FLCN protein function with a negative predictive value of 80%. In summary, the available evidence is currently insufficient to determine the role of this variant in disease. Therefore, it has been classified as a Variant of Uncertain Significance.

Ambry Genetics
Classification: Uncertain significance for Hereditary cancer-predisposing syndrome. Last evaluated: 2024-05-18. Review status: criteria provided, single submitter. Criteria: Ambry Variant Classification Scheme 2023. Collection method: clinical testing. Allele origin: germline.
Comment: The p.K516R variant (also known as c.1547A>G), located in coding exon 11 of the FLCN gene, results from an A to G substitution at nucleotide position 1547. The lysine at codon 516 is replaced by arginine, an amino acid with highly similar properties. This amino acid position is highly conserved in available vertebrate species. In addition, this alteration is predicted to be deleterious by in silico analysis. Since supporting evidence is limited at this time, the clinical significance of this alteration remains unclear.

Baylor Genetics
Classification: Uncertain significance for Birt-Hogg-Dube syndrome 1. Last evaluated: 2023-09-05. Review status: criteria provided, single submitter. Criteria: ACMG Guidelines, 2015. Collection method: clinical testing. Allele origin: unknown.

GeneDx
Classification: Uncertain significance. Last evaluated: 2022-12-08. Review status: criteria provided, single submitter. Criteria: GeneDx Variant Classification Process June 2021. Collection method: clinical testing. Allele origin: germline. Affected: yes.
Comment: Not observed at significant frequency in large population cohorts (gnomAD); In silico analysis supports that this missense variant does not alter protein structure/function; Has not been previously published as pathogenic or benign to our knowledge; In silico analysis suggests this variant may impact gene splicing. In the absence of RNA/functional studies, the actual effect of this sequence change is unknown.; This variant is associated with the following publications: (PMID: 17028174)

Fulgent Genetics
Classification: Uncertain significance for Colorectal cancer; Birt-Hogg-Dube syndrome 1; Nonpapillary renal cell carcinoma; Familial spontaneous pneumothorax; 17p11.2 microduplication syndrome. Last evaluated: 2022-05-04. Review status: criteria provided, single submitter. Criteria: ACMG Guidelines, 2015. Collection method: clinical testing. Allele origin: unknown.

NM_144997.7(FLCN):c.1547A>G (p.Lys516Arg)

Gene: FLCN (folliculin; minus strand). Cytogenetic location: 17p11.2.
Variant type: single nucleotide variant.
Coding change: c.1547A>G on transcript NM_144997.7 (MANE Select); coding-DNA position 1547, A replaced by G.
Protein change: p.Lys516Arg; replaces lysine 516 with arginine.
Molecular consequence: missense variant.
Genome position (GRCh38, 1-based): chr17:17,213,848, T>C on the plus strand (A>G on the coding strand, the complement: FLCN is on the minus strand). VCF-style: chr17-17213848-T-C. GRCh37 (hg19) VCF-style: chr17-17117162-T-C.
Other names: c.1601A>G, p.Lys534Arg (NM_001353229.2); c.1547A>G, p.Lys516Arg (NM_001353230.2, NM_001353231.2); short protein forms K534R, K516R.
Identifiers: ClinVar variation 1044847 (VCV001044847.12), dbSNP rs2046824022, ClinGen allele CA398530520.
Genomic context (GRCh38, chr17:17,213,848, plus strand): 5'-AGCAGCTTCTGTGTGTCCTCTTTGGGTCGACTGTCCACCTTGGTGAACTTAAAAAGCACC[T>C]TCACTTTGCTGAAGAAAACCAAAACAAAACACTCAGACACCACAGCACAATCCCTCGAGC-3'
Protein context (NP_659434.2, residues 506-526): CLKEEWMNKV[Lys516Arg]VLFKFTKVDS